The following is an entry in ClinVar:

ClinVar aggregate classification (germline): Conflicting classifications of pathogenicity. Review status: criteria provided, conflicting classifications (1 of 4 stars). 6 submissions from 6 submitters: Uncertain significance (1); Likely benign (4). 1 of the submissions does not count toward it. Last evaluated 2026-01-12.

Conditions:
CSPP1-related disorder. Also called: CSPP1-related condition.
Joubert syndrome 21 (JBTS21). Identifiers: MedGen C3810212, MONDO:0014288, OMIM 615636.

Allele frequency attached by ClinVar (database versions not stated): ESP Exome Variant Server 0.00034; gnomAD 0.00071 and 0.00080; gnomAD exomes 0.00072 and 0.00087; 1000 Genomes Project 30x 0.00078; ExAC 0.00093; TOPMed 0.00094; 1000 Genomes Project 0.00100.
gnomAD v4.1: 1,180 of 1,571,978 alleles (0.075%); highest among the groups gnomAD compares: South Asian, 0.37%; 11 homozygotes.

Submissions (7):

Labcorp Genetics (formerly Invitae), Labcorp
Classification: Likely benign for Joubert syndrome 21. Last evaluated: 2026-01-12. Review status: criteria provided, single submitter. Criteria: Invitae Variant Classification Sherloc (09022015). Collection method: clinical testing. Allele origin: germline.

CeGaT Center for Human Genetics Tuebingen
Classification: Likely benign. Last evaluated: 2025-11-01. Review status: criteria provided, single submitter. Criteria: CeGaT Center For Human Genetics Tuebingen Variant Classification Criteria Version 2. Collection method: clinical testing. Allele origin: germline. Affected: yes. Observed: 3 variant alleles.
Comment: CSPP1: BS1

Blueprint Genetics
Classification: Likely benign. Last evaluated: 2024-11-13. Review status: criteria provided, single submitter. Criteria: ACMG Guidelines, 2015. Collection method: clinical testing. Allele origin: germline.

GeneDx
Classification: Likely benign. Last evaluated: 2019-05-24. Review status: criteria provided, single submitter. Criteria: GeneDx Variant Classification Process June 2021. Collection method: clinical testing. Allele origin: germline. Affected: yes.

Center for Pediatric Genomic Medicine, Children's Mercy Hospital and Clinics
Classification: Uncertain significance. Last evaluated: 2017-03-09. Review status: criteria provided, single submitter. Criteria: ACMG Guidelines, 2015. Collection method: clinical testing. Allele origin: germline.

PreventionGenetics, part of Exact Sciences
Classification: Likely benign for CSPP1-related condition. Last evaluated: 2020-08-19. Review status: no assertion criteria provided. Collection method: clinical testing. Allele origin: germline. Not counted in ClinVar's aggregate classification.
Comment: This variant is classified as likely benign based on ACMG/AMP sequence variant interpretation guidelines (Richards et al. 2015 PMID: 25741868, with internal and published modifications).

Dr. Peter K. Rogan Lab, Western University
No classification provided (evidence only). Condition: Sarcoma. Review status: no classification provided. Collection method: in vitro. Allele origin: not applicable. Functional consequence: skipped exon, retained intron. Not counted in ClinVar's aggregate classification.

NM_001382391.1(CSPP1):c.104A>G (p.Lys35Arg)

Gene: CSPP1 (centrosome and spindle pole associated protein 1; plus strand). Cytogenetic location: 8q13.1.
Variant type: single nucleotide variant.
Coding change: c.104A>G on transcript NM_001382391.1 (MANE Select); coding-DNA position 104, A replaced by G.
Protein change: p.Lys35Arg; replaces lysine 35 with arginine.
Molecular consequence: missense variant.
Genome position (GRCh38, 1-based): chr8:67,076,486, A>G. VCF-style: chr8-67076486-A-G. GRCh37 (hg19) VCF-style: chr8-67988721-A-G.
Other names: c.104A>G, p.Lys35Arg (NM_001363131.2, NM_001363132.2, NM_001363133.2); c.212A>G, p.Lys71Arg (NM_001364869.1, NM_001364870.1, NM_024790.7); short protein forms K71R, K35R.
Identifiers: ClinVar variation 446051 (VCV000446051.33), dbSNP rs200158932, ClinGen allele CA4770140.
Genomic context (GRCh38, chr8:67,076,486, plus strand): 5'-TATATTTCATGGTTTTTTTTTTCCTCTTGCTTTTGTAAACATTATGTCTCTTTCAGGGAA[A>G]GTTGTCAGCGAAGCTTTCTGAAAACAGTAAGATACTGATCTCTATGGCTAAGGAAAACAT-3'
Protein context (NP_001369320.1, residues 25-45): SDPPYMEMKG[Lys35Arg]LSAKLSENSK